The following is an entry in ClinVar:

ClinVar aggregate classification (germline): Uncertain significance (1 of 4 stars; one submission).

Conditions:
Hereditary cancer-predisposing syndrome. Also called: Neoplastic Syndromes, Hereditary; Hereditary neoplastic syndrome; Tumor predisposition; Hereditary Cancer Syndrome. Identifiers: Orphanet 140162, MedGen C0027672, MeSH D009386, MONDO:0015356.
Cardiovascular phenotype. Identifiers: MedGen CN230736.

Submission:

Ambry Genetics
Classification: Uncertain significance for Cardiovascular phenotype; Hereditary cancer-predisposing syndrome. Last evaluated: 2022-12-26. Review status: criteria provided, single submitter. Criteria: Ambry Variant Classification Scheme 2023. Collection method: clinical testing. Allele origin: germline.
Comment: The p.Q564R variant (also known as c.1691A>G), located in coding exon 15 of the LZTR1 gene, results from an A to G substitution at nucleotide position 1691. The glutamine at codon 564 is replaced by arginine, an amino acid with highly similar properties. This amino acid position is conserved. In addition, the in silico prediction for this alteration is inconclusive. Since supporting evidence is limited at this time, the clinical significance of this alteration remains unclear.

NM_006767.4(LZTR1):c.1691A>G (p.Gln564Arg)

Gene: LZTR1 (leucine zipper like post translational regulator 1; plus strand). Cytogenetic location: 22q11.21.
Variant type: single nucleotide variant.
Coding change: c.1691A>G on transcript NM_006767.4 (MANE Select); coding-DNA position 1691, A replaced by G.
Protein change: p.Gln564Arg; replaces glutamine 564 with arginine.
Molecular consequence: missense variant.
Genome position (GRCh38, 1-based): chr22:20,994,633, A>G. VCF-style: chr22-20994633-A-G. GRCh37 (hg19) VCF-style: chr22-21348922-A-G.
Other names: short protein forms Q564R.
Identifiers: ClinVar variation 2496803 (VCV002496803.2), dbSNP rs2518621810, ClinGen allele CA410777814.